The following is an entry in ClinVar:

NM_001082486.2(ACD):c.365G>C (p.Arg122Pro)

Gene: ACD (ACD shelterin complex subunit and telomerase recruitment factor; minus strand). Cytogenetic location: 16q22.1.
Variant type: single nucleotide variant.
Coding change: c.365G>C on transcript NM_001082486.2 (MANE Select); coding-DNA position 365, G replaced by C.
Protein change: p.Arg122Pro; replaces arginine 122 with proline.
Molecular consequence: missense variant.
Genome position (GRCh38, 1-based): chr16:67,659,585, C>G on the plus strand (G>C on the coding strand, the complement: ACD is on the minus strand). VCF-style: chr16-67659585-C-G. GRCh37 (hg19) VCF-style: chr16-67693488-C-G.
Other names: c.365G>C, p.Arg122Pro (NM_001410884.1); c.356G>C, p.Arg119Pro (NM_022914.3); short protein forms R119P, R122P.
Identifiers: ClinVar variation 3480182 (VCV003480182.1).

ClinVar aggregate classification (germline): Uncertain significance (1 of 4 stars; one submission).

Conditions:
Inborn genetic diseases. Identifiers: MedGen C0950123, MeSH D030342.

Submission:

Ambry Genetics
Classification: Uncertain significance for Inborn genetic diseases. Last evaluated: 2024-08-21. Review status: criteria provided, single submitter. Criteria: Ambry Variant Classification Scheme 2023. Collection method: clinical testing. Allele origin: germline.
Comment: The p.R208P variant (also known as c.623G>C), located in coding exon 4 of the ACD gene, results from a G to C substitution at nucleotide position 623. The arginine at codon 208 is replaced by proline, an amino acid with dissimilar properties. This amino acid position is conserved. In addition, the in silico prediction for this alteration is inconclusive. Based on the available evidence, the clinical significance of this variant remains unclear.